The following is an entry in ClinVar:

ClinVar aggregate classification (germline): Uncertain significance. Review status: criteria provided, multiple submitters, no conflicts (2 of 4 stars). 3 submissions from 3 submitters: Uncertain significance (3). Last evaluated 2025-08-29.

Conditions:
Familial thoracic aortic aneurysm and aortic dissection (TAAD). Also called: Thoracic aortic aneurysms and dissections. Identifiers: Orphanet 91387, MedGen C4707243, MONDO:0019625.
Arterial tortuosity syndrome (ATORS). Identifiers: Orphanet 3342, MedGen C1859726, MONDO:0008818, OMIM 208050.

Allele frequency attached by ClinVar (database versions not stated): ExAC 0.00003; gnomAD 0.00003; TOPMed 0.00003; 1000 Genomes Project 30x 0.00016; 1000 Genomes Project 0.00020.
gnomAD v4.1: 70 of 1,614,212 alleles (0.0043%); highest among the groups gnomAD compares: Admixed American, 0.017%; no homozygotes.

Submissions (3):

Ambry Genetics
Classification: Uncertain significance for Familial thoracic aortic aneurysm and aortic dissection. Last evaluated: 2025-08-29. Review status: criteria provided, single submitter. Criteria: Ambry Variant Classification Scheme 2023. Collection method: clinical testing. Allele origin: germline.

ARUP Laboratories, Molecular Genetics and Genomics, ARUP Laboratories
Classification: Uncertain significance for Arterial tortuosity syndrome. Last evaluated: 2023-10-27. Review status: criteria provided, single submitter. Criteria: ARUP Molecular Germline Variant Investigation Process 2024. Collection method: clinical testing. Allele origin: germline.
Comment: The SLC2A10 c.1351T>G; p.Cys451Gly variant (rs199599532), to our knowledge, is not reported in the medical literature but is reported in ClinVar (Variation ID: 213736). This variant is found in the general population with an overall allele frequency of 0.004% (11/251,490 alleles) in the Genome Aggregation Database. Computational analyses are uncertain whether this variant is neutral or deleterious (REVEL: 0.553). Due to limited information, the clinical significance of this variant is uncertain at this time.

Labcorp Genetics (formerly Invitae), Labcorp
Classification: Uncertain significance for Arterial tortuosity syndrome. Last evaluated: 2021-09-01. Review status: criteria provided, single submitter. Criteria: Invitae Variant Classification Sherloc (09022015). Collection method: clinical testing. Allele origin: germline.
Comment: This sequence change replaces cysteine with glycine at codon 451 of the SLC2A10 protein (p.Cys451Gly). The cysteine residue is highly conserved and there is a large physicochemical difference between cysteine and glycine. This variant is present in population databases (rs199599532, ExAC 0.03%). This variant has not been reported in the literature in individuals affected with SLC2A10-related conditions. Algorithms developed to predict the effect of missense changes on protein structure and function are either unavailable or do not agree on the potential impact of this missense change (SIFT: "Deleterious"; PolyPhen-2: "Probably Damaging"; Align-GVGD: "Class C0"). In summary, the available evidence is currently insufficient to determine the role of this variant in disease. Therefore, it has been classified as a Variant of Uncertain Significance.

NM_030777.4(SLC2A10):c.1351T>G (p.Cys451Gly)

Gene: SLC2A10 (solute carrier family 2 member 10; plus strand). Cytogenetic location: 20q13.12.
Variant type: single nucleotide variant.
Coding change: c.1351T>G on transcript NM_030777.4 (MANE Select); coding-DNA position 1351, T replaced by G.
Protein change: p.Cys451Gly; replaces cysteine 451 with glycine.
Molecular consequence: missense variant.
Genome position (GRCh38, 1-based): chr20:46,726,926, T>G. VCF-style: chr20-46726926-T-G. GRCh37 (hg19) VCF-style: chr20-45355565-T-G.
Other names: short protein forms C451G.
Identifiers: ClinVar variation 213736 (VCV000213736.10), dbSNP rs199599532, ClinGen allele CA322435.